The following is an entry in ClinVar:

NM_006947.4(SRP72):c.811A>G (p.Ile271Val)

Gene: SRP72 (signal recognition particle 72; plus strand). Cytogenetic location: 4q12.
Variant type: single nucleotide variant.
Coding change: c.811A>G on transcript NM_006947.4 (MANE Select); coding-DNA position 811, A replaced by G.
Protein change: p.Ile271Val; replaces isoleucine 271 with valine.
Molecular consequence: missense variant. On other transcripts: non-coding transcript variant (1), intron variant (1).
Genome position (GRCh38, 1-based): chr4:56,478,635, A>G. VCF-style: chr4-56478635-A-G. GRCh37 (hg19) VCF-style: chr4-57344801-A-G.
Other names: c.642+1933A>G (NM_001267722.2); short protein forms I271V.
Identifiers: ClinVar variation 3366194 (VCV003366194.6).

ClinVar aggregate classification (germline): Uncertain significance. Review status: criteria provided, multiple submitters, no conflicts (2 of 4 stars). 3 submissions from 3 submitters: Uncertain significance (3). Last evaluated 2025-10-23.

gnomAD v4.1: 12 of 1,613,854 alleles (0.00074%); highest among the groups gnomAD compares: African/African-American, 0.013%; no homozygotes.

Submissions (3):

Ambry Genetics
Classification: Uncertain significance. Last evaluated: 2025-10-23. Review status: criteria provided, single submitter. Criteria: Ambry Variant Classification Scheme 2023. Collection method: clinical testing. Allele origin: germline.

Labcorp Genetics (formerly Invitae), Labcorp
Classification: Uncertain significance. Last evaluated: 2025-10-15. Review status: criteria provided, single submitter. Criteria: Invitae Variant Classification Sherloc (09022015). Collection method: clinical testing. Allele origin: germline.
Comment: This sequence change replaces isoleucine, which is neutral and non-polar, with valine, which is neutral and non-polar, at codon 271 of the SRP72 protein (p.Ile271Val). This variant is present in population databases (rs748702379, gnomAD 0.02%). This variant has not been reported in the literature in individuals affected with SRP72-related conditions. ClinVar contains an entry for this variant (Variation ID: 3366194). Invitae Evidence Modeling of protein sequence and biophysical properties (such as structural, functional, and spatial information, amino acid conservation, physicochemical variation, residue mobility, and thermodynamic stability) indicates that this missense variant is not expected to disrupt SRP72 protein function with a negative predictive value of 80%. In summary, the available evidence is currently insufficient to determine the role of this variant in disease. Therefore, it has been classified as a Variant of Uncertain Significance.

GeneDx
Classification: Uncertain significance. Last evaluated: 2025-04-18. Review status: criteria provided, single submitter. Criteria: GeneDx Variant Classification Process June 2021. Collection method: clinical testing. Allele origin: germline.
Comment: Not observed at significant frequency in large population cohorts (gnomAD); In silico analysis indicates that this missense variant does not alter protein structure/function; Has not been previously published as pathogenic or benign to our knowledge